The following is an entry in ClinVar:

ClinVar aggregate classification (germline): Uncertain significance (1 of 4 stars; one submission).

Conditions:
Proline dehydrogenase deficiency (HYRPRO1). Also called: Hyperprolinemia type 1; PROLINE OXIDASE DEFICIENCY. Identifiers: Orphanet 419, MedGen C0268529, MONDO:0009400, OMIM 239500.

Allele frequency attached by ClinVar (database versions not stated): ExAC 0.00022; 1000 Genomes Project 0.00040; ESP Exome Variant Server 0.00046; 1000 Genomes Project 30x 0.00109; gnomAD 0.00342.

Submission:

Labcorp Genetics (formerly Invitae), Labcorp
Classification: Uncertain significance for Proline dehydrogenase deficiency. Last evaluated: 2023-04-09. Review status: criteria provided, single submitter. Criteria: Invitae Variant Classification Sherloc (09022015). Collection method: clinical testing. Allele origin: germline.
Comment: In summary, the available evidence is currently insufficient to determine the role of this variant in disease. Therefore, it has been classified as a Variant of Uncertain Significance. Advanced modeling of protein sequence and biophysical properties (such as structural, functional, and spatial information, amino acid conservation, physicochemical variation, residue mobility, and thermodynamic stability) performed at Invitae indicates that this missense variant is not expected to disrupt PRODH protein function. ClinVar contains an entry for this variant (Variation ID: 1938923). This variant has not been reported in the literature in individuals affected with PRODH-related conditions. This variant is present in population databases (rs144323192, gnomAD 0.2%). This sequence change replaces histidine, which is basic and polar, with tyrosine, which is neutral and polar, at codon 520 of the PRODH protein (p.His520Tyr).

NM_016335.6(PRODH):c.1558C>T (p.His520Tyr)

Gene: PRODH (proline dehydrogenase 1; minus strand). Cytogenetic location: 22q11.21.
Variant type: single nucleotide variant.
Coding change: c.1558C>T on transcript NM_016335.6 (MANE Select); coding-DNA position 1558, C replaced by T.
Protein change: p.His520Tyr; replaces histidine 520 with tyrosine.
Molecular consequence: missense variant.
Genome position (GRCh38, 1-based): chr22:18,913,495, G>A on the plus strand (C>T on the coding strand, the complement: PRODH is on the minus strand). VCF-style: chr22-18913495-G-A. GRCh37 (hg19) VCF-style: chr22-18901008-G-A.
Other names: c.1234C>T, p.His412Tyr (NM_001195226.2, NM_001368250.2); short protein forms H520Y, H412Y.
Identifiers: ClinVar variation 1938923 (VCV001938923.3), dbSNP rs144323192, ClinGen allele CA10094888.
Genomic context (GRCh38, chr22:18,913,495, plus strand): 5'-CACCCAGCGGGAAGCTGATCTGGTCACACATGCCTAGCAGCTGTCCAAAGTACACCCGGT[G>A]GTCAGCAGGATGCAGGCCCAGCTCCTCCATCCTGTGCAGGTGAAGCCAGGAACTGAGGGC-3'
Protein context (NP_057419.5, residues 510-530): MEELGLHPAD[His520Tyr]RVYFGQLLGM